The following is an entry in ClinVar:

ClinVar aggregate classification (germline): Uncertain significance. Review status: criteria provided, multiple submitters, no conflicts (2 of 4 stars). 4 submissions from 4 submitters: Uncertain significance (4). Last evaluated 2025-10-02.

Conditions:
Multinucleated neurons-anhydramnios-renal dysplasia-cerebellar hypoplasia-hydranencephaly syndrome. Also called: Hydranencephaly with renal aplasia-dysplasia. Identifiers: Orphanet 500135, MedGen C1856053, MONDO:0009359, OMIM 236500.
Inborn genetic diseases. Identifiers: MedGen C0950123, MeSH D030342.

Allele frequency attached by ClinVar (database versions not stated): 1000 Genomes Project 30x 0.00016; 1000 Genomes Project 0.00020; ESP Exome Variant Server 0.00046; gnomAD 0.00048; TOPMed 0.00061.
gnomAD v4.1: 1,016 of 1,614,122 alleles (0.063%); highest among the groups gnomAD compares: Middle Eastern, 0.082%; no homozygotes.

Submissions (4):

Labcorp Genetics (formerly Invitae), Labcorp
Classification: Uncertain significance. Last evaluated: 2025-10-02. Review status: criteria provided, single submitter. Criteria: Invitae Variant Classification Sherloc (09022015). Collection method: clinical testing. Allele origin: germline.
Comment: This sequence change replaces valine, which is neutral and non-polar, with isoleucine, which is neutral and non-polar, at codon 127 of the CEP55 protein (p.Val127Ile). This variant is present in population databases (rs199894468, gnomAD 0.1%), and has an allele count higher than expected for a pathogenic variant. This variant has not been reported in the literature in individuals affected with CEP55-related conditions. ClinVar contains an entry for this variant (Variation ID: 2049472). An algorithm developed to predict the effect of missense changes on protein structure and function outputs the following: PolyPhen-2: "Benign". The isoleucine amino acid residue is found in multiple mammalian species, which suggests that this missense change does not adversely affect protein function. In summary, the available evidence is currently insufficient to determine the role of this variant in disease. Therefore, it has been classified as a Variant of Uncertain Significance.

GeneDx
Classification: Uncertain significance. Last evaluated: 2025-06-06. Review status: criteria provided, single submitter. Criteria: GeneDx Variant Classification Process June 2021. Collection method: clinical testing. Allele origin: germline. Affected: yes.
Comment: In silico analysis suggests that this missense variant does not alter protein structure/function; Has not been previously published as pathogenic or benign to our knowledge

Ambry Genetics
Classification: Uncertain significance for Inborn genetic diseases. Last evaluated: 2022-05-05. Review status: criteria provided, single submitter. Criteria: Ambry Variant Classification Scheme 2023. Collection method: clinical testing. Allele origin: germline.
Comment: The c.379G>A (p.V127I) alteration is located in exon 3 (coding exon 2) of the CEP55 gene. This alteration results from a G to A substitution at nucleotide position 379, causing the valine (V) at amino acid position 127 to be replaced by an isoleucine (I). The p.V127I alteration is predicted to be tolerated by in silico analysis. Based on insufficient or conflicting evidence, the clinical significance of this alteration remains unclear.

Revvity Omics, Revvity
Classification: Uncertain significance for Multinucleated neurons-anhydramnios-renal dysplasia-cerebellar hypoplasia-hydranencephaly syndrome. Last evaluated: 2019-12-23. Review status: criteria provided, single submitter. Criteria: ACMG Guidelines, 2015. Collection method: clinical testing. Allele origin: germline.

NM_018131.5(CEP55):c.379G>A (p.Val127Ile)

Gene: CEP55 (centrosomal protein 55; plus strand). Cytogenetic location: 10q23.33.
Variant type: single nucleotide variant.
Coding change: c.379G>A on transcript NM_018131.5 (MANE Select); coding-DNA position 379, G replaced by A.
Protein change: p.Val127Ile; replaces valine 127 with isoleucine.
Molecular consequence: missense variant.
Genome position (GRCh38, 1-based): chr10:93,503,308, G>A. VCF-style: chr10-93503308-G-A. GRCh37 (hg19) VCF-style: chr10-95263065-G-A.
Other names: c.379G>A, p.Val127Ile (NM_001127182.2); c.379G>A (NM_001127182.1); short protein forms V127I.
Identifiers: ClinVar variation 2049472 (VCV002049472.9), dbSNP rs199894468, ClinGen allele CA5608888.